The following is an entry in ClinVar:

ClinVar aggregate classification (germline): Pathogenic/Likely pathogenic. Review status: criteria provided, multiple submitters, no conflicts (2 of 4 stars). 2 submissions from 2 submitters: Pathogenic (1); Likely pathogenic (1). Last evaluated 2023-09-08.

Conditions:
Ehlers-Danlos syndrome, type 4 (EDSVASC). Also called: Ehlers-Danlos syndrome vascular type; Ehlers Danlos syndrome, ecchymotic type; Ehlers Danlos syndrome, arterial type; Ehlers Danlos syndrome, Sack-Barabas type; Ehlers-Danlos Syndrome Type IV. Identifiers: Orphanet 286, MedGen C0268338, MONDO:0017314, OMIM 130050.
Familial thoracic aortic aneurysm and aortic dissection (TAAD). Also called: Thoracic aortic aneurysms and dissections. Identifiers: Orphanet 91387, MedGen C4707243, MONDO:0019625.

Submissions (2):

Labcorp Genetics (formerly Invitae), Labcorp
Classification: Pathogenic for Ehlers-Danlos syndrome, type 4. Last evaluated: 2023-09-08. Review status: criteria provided, single submitter. Criteria: Invitae Variant Classification Sherloc (09022015). Collection method: clinical testing. Allele origin: germline.
Comment: For these reasons, this variant has been classified as Pathogenic. This variant disrupts the triple helix domain of COL3A1. Glycine residues within the Gly-Xaa-Yaa repeats of the triple helix domain are required for the structure and stability of fibrillar collagens (PMID: 7695699, 8218237, 19344236). In COL3A1, variants that affect these glycine residues are significantly enriched in individuals with disease (PMID: 24922459, 25758994) compared to the general population (ExAC). ClinVar contains an entry for this variant (Variation ID: 1465364). This missense change has been observed in individual(s) with clinical features of COL3A1-related conditions (Invitae). In at least one individual the variant was observed to be de novo. This variant is not present in population databases (gnomAD no frequency). This sequence change replaces glycine, which is neutral and non-polar, with glutamic acid, which is acidic and polar, at codon 624 of the COL3A1 protein (p.Gly624Glu).

Ambry Genetics
Classification: Likely pathogenic for Familial thoracic aortic aneurysm and aortic dissection. Last evaluated: 2022-10-04. Review status: criteria provided, single submitter. Criteria: Ambry Variant Classification Scheme 2023. Collection method: clinical testing. Allele origin: germline.
Comment: The p.G624E variant (also known as c.1871G>A), located in coding exon 27 of the COL3A1 gene, results from a G to A substitution at nucleotide position 1871. The glycine at codon 624 is replaced by glutamic acid, an amino acid with similar properties. The majority (approximately two-thirds) of COL3A1 mutations identified to date have involved the substitution of another amino acid for glycine within the triple-helical domain (Pepin MG et al. Genet Med. 2014;16(12):881-8; Frank M et al. Eur J Hum Genet. 2015;23(12):1657-64). Internal structural analysis indicates that this alteration disrupts the characteristic G-X-Y motif in the COL3A1 protein and inserts a bulky side chain into a sterically-constrained region (Bella J et al. Science. 1994;266:75-81; Hohenester E et al. Proc. Natl. Acad. Sci. U.S.A. 2008;105:18273-7; Ambry internal data). This variant is considered to be rare based on population cohorts in the Genome Aggregation Database (gnomAD). This amino acid position is highly conserved in available vertebrate species. In addition, this alteration is predicted to be deleterious by in silico analysis. Based on the majority of available evidence to date, this variant is likely to be pathogenic.

Literature cited by the submitters: PubMed 7695699 (cited by Labcorp Genetics (formerly Invitae), Labcorp); PubMed 8218237 (cited by Labcorp Genetics (formerly Invitae), Labcorp); PubMed 19344236 (cited by Labcorp Genetics (formerly Invitae), Labcorp); PubMed 24922459 (cited by Labcorp Genetics (formerly Invitae), Labcorp); PubMed 25758994 (cited by Labcorp Genetics (formerly Invitae), Labcorp).

NM_000090.4(COL3A1):c.1871G>A (p.Gly624Glu)

Gene: COL3A1 (collagen type III alpha 1 chain; plus strand). Cytogenetic location: 2q32.2.
Variant type: single nucleotide variant.
Coding change: c.1871G>A on transcript NM_000090.4 (MANE Select); coding-DNA position 1871, G replaced by A.
Protein change: p.Gly624Glu; replaces glycine 624 with glutamic acid.
Molecular consequence: missense variant.
Genome position (GRCh38, 1-based): chr2:188,997,701, G>A. VCF-style: chr2-188997701-G-A. GRCh37 (hg19) VCF-style: chr2-189862427-G-A.
Other names: short protein forms G624E.
Identifiers: ClinVar variation 1465364 (VCV001465364.10), dbSNP rs1553508463, ClinGen allele CA349853647.